The following is an entry in ClinVar:

ClinVar aggregate classification (germline): Uncertain significance (1 of 4 stars; one submission).

Conditions:
Macrocephaly-developmental delay syndrome (MRT41). Also called: INTELLECTUAL DEVELOPMENTAL DISORDER, AUTOSOMAL RECESSIVE 41. Identifiers: Orphanet 397612, MedGen C3810225, MONDO:0014289, OMIM 615637.

Allele frequency attached by ClinVar (database versions not stated): gnomAD exomes below 0.00001; ExAC 0.00001; gnomAD 0.00001; TOPMed 0.00001; ESP Exome Variant Server 0.00008.
gnomAD v4.1: 2 of 1,613,032 alleles (0.00012%); highest among the groups gnomAD compares: Non-Finnish European, 0.00017%; no homozygotes.

Submission:

Labcorp Genetics (formerly Invitae), Labcorp
Classification: Uncertain significance for Macrocephaly-developmental delay syndrome. Last evaluated: 2020-06-13. Review status: criteria provided, single submitter. Criteria: Invitae Variant Classification Sherloc (09022015). Collection method: clinical testing. Allele origin: germline.
Comment: This sequence change affects codon 262 of the KPTN mRNA. It is a 'silent' change, meaning that it does not change the encoded amino acid sequence of the KPTN protein. This variant is present in population databases (rs371354579, ExAC 0.002%). This variant has not been reported in the literature in individuals with KPTN-related disease. Algorithms developed to predict the effect of sequence changes on RNA splicing suggest that this variant may create or strengthen a splice site, but this prediction has not been confirmed by published transcriptional studies. In summary, the available evidence is currently insufficient to determine the role of this variant in disease. Therefore, it has been classified as a Variant of Uncertain Significance.

NM_007059.4(KPTN):c.786G>A (p.Lys262=)

Gene: KPTN (kaptin, actin binding protein; minus strand). Cytogenetic location: 19q13.32.
Variant type: single nucleotide variant.
Coding change: c.786G>A on transcript NM_007059.4 (MANE Select); coding-DNA position 786, G replaced by A.
Protein change: p.Lys262=; no amino-acid change (lysine 262 retained).
Molecular consequence: synonymous variant. On other transcripts: non-coding transcript variant (1).
Genome position (GRCh38, 1-based): chr19:47,479,864, C>T on the plus strand (G>A on the coding strand, the complement: KPTN is on the minus strand). VCF-style: chr19-47479864-C-T. GRCh37 (hg19) VCF-style: chr19-47983121-C-T.
Other names: c.618G>A, p.Lys206= (NM_001291296.2).
Identifiers: ClinVar variation 581046 (VCV000581046.7), dbSNP rs371354579, ClinGen allele CA9540319.